The following is an entry in ClinVar:

ClinVar aggregate classification (germline): Uncertain significance. Review status: criteria provided, multiple submitters, no conflicts (2 of 4 stars). 2 submissions from 2 submitters: Uncertain significance (2). Last evaluated 2022-11-22.

Allele frequency attached by ClinVar (database versions not stated): gnomAD exomes below 0.00001.
gnomAD v4.1: 1 of 1,609,050 alleles (0.000062%); highest among the groups gnomAD compares: Non-Finnish European, 0.000085%; no homozygotes.

Submissions (2):

Labcorp Genetics (formerly Invitae), Labcorp
Classification: Uncertain significance. Last evaluated: 2022-11-22. Review status: criteria provided, single submitter. Criteria: Invitae Variant Classification Sherloc (09022015). Collection method: clinical testing. Allele origin: germline.
Comment: This variant has not been reported in the literature in individuals affected with CDHR1-related conditions. This sequence change replaces leucine, which is neutral and non-polar, with proline, which is neutral and non-polar, at codon 198 of the CDHR1 protein (p.Leu198Pro). This variant is not present in population databases (gnomAD no frequency). ClinVar contains an entry for this variant (Variation ID: 1003904). Advanced modeling of protein sequence and biophysical properties (such as structural, functional, and spatial information, amino acid conservation, physicochemical variation, residue mobility, and thermodynamic stability) performed at Invitae indicates that this missense variant is expected to disrupt CDHR1 protein function. In summary, the available evidence is currently insufficient to determine the role of this variant in disease. Therefore, it has been classified as a Variant of Uncertain Significance.

Blueprint Genetics
Classification: Uncertain significance. Last evaluated: 2019-12-23. Review status: criteria provided, single submitter. Criteria: ACMG Guidelines, 2015. Collection method: clinical testing. Allele origin: germline.

NM_033100.4(CDHR1):c.593T>C (p.Leu198Pro)

Gene: CDHR1 (cadherin related family member 1; plus strand). Cytogenetic location: 10q23.1.
Variant type: single nucleotide variant.
Coding change: c.593T>C on transcript NM_033100.4 (MANE Select); coding-DNA position 593, T replaced by C.
Protein change: p.Leu198Pro; replaces leucine 198 with proline.
Molecular consequence: missense variant.
Genome position (GRCh38, 1-based): chr10:84,201,874, T>C. VCF-style: chr10-84201874-T-C. GRCh37 (hg19) VCF-style: chr10-85961630-T-C.
Other names: c.593T>C, p.Leu198Pro (NM_001171971.3); short protein forms L198P.
Identifiers: ClinVar variation 1003904 (VCV001003904.10), dbSNP rs1842132394, ClinGen allele CA377372431.
Genomic context (GRCh38, chr10:84,201,874, plus strand): 5'-ACTCCCCATTTGCCGTGGACCGCCACAGCGGTGTGCTGCGCCTCCAGGCTGGGGCCACTC[T>C]GGACTACGAGAGGTCCCGGACCCACTACATCACCGTGGTCGCCAAGGTAACACAGCAGGA-3'
Protein context (NP_149091.1, residues 188-208): GVLRLQAGAT[Leu198Pro]DYERSRTHYI